The following is an entry in ClinVar:

ClinVar aggregate classification (germline): Uncertain significance (1 of 4 stars; one submission).

Conditions:
Juvenile polyposis syndrome (JPS). Identifiers: Orphanet 2929, MedGen C0345893, MONDO:0017380, OMIM 174900.

Submission:

All of Us Research Program, National Institutes of Health
Classification: Uncertain significance for Juvenile polyposis syndrome. Last evaluated: 2023-02-24. Review status: criteria provided, single submitter. Criteria: ACMG Guidelines, 2015. Collection method: clinical testing. Allele origin: germline. Inheritance: Autosomal dominant inheritance. Observed: 1 variant allele, 1 heterozygote.
Comment: This variant causes a T to G nucleotide substitution at the -10 position of intron 11 of the BMPR1A gene. To our knowledge, functional studies have not been reported for this variant. This variant has not been reported in individuals affected with hereditary cancer in the literature. This variant has not been identified in the general population by the Genome Aggregation Database (gnomAD). The available evidence is insufficient to determine the role of this variant in disease conclusively. Therefore, this variant is classified as a Variant of Uncertain Significance.

This study involves interpretation of variants in research participants for the purpose of population health screening. Participant phenotype was not available at the time of variant classification. Additional details can be found in publication PMID: 35346344, PMCID: PMC8962531

NM_004329.3(BMPR1A):c.1343-10T>G

Gene: BMPR1A (bone morphogenetic protein receptor type 1A; plus strand). Cytogenetic location: 10q23.2.
Variant type: single nucleotide variant.
Coding change: c.1343-10T>G on transcript NM_004329.3 (MANE Select); 10 bases into the intron before coding-DNA position 1343, T replaced by G.
Molecular consequence: intron variant.
Genome position (GRCh38, 1-based): chr10:86,923,366, T>G. VCF-style: chr10-86923366-T-G. GRCh37 (hg19) VCF-style: chr10-88683123-T-G.
Other names: c.1343-10T>G (NM_001406562.1, NM_001406568.1, NM_001406567.1 and 19 more transcripts); c.1259-10T>G (NM_001406584.1, NM_001406588.1, NM_001406587.1 and 2 more transcripts); c.1391-10T>G (NM_001406560.1); c.1418-10T>G (NM_001406559.1); c.1337-10T>G (NM_001406583.1); c.1001-10T>G (NM_001406589.1).
Identifiers: ClinVar variation 3069620 (VCV003069620.1), dbSNP rs1843694347, ClinGen allele CA470308510.